The following is an entry in ClinVar:

ClinVar aggregate classification (germline): Likely benign. Review status: criteria provided, multiple submitters, no conflicts (2 of 4 stars). 2 submissions from 2 submitters: Likely benign (2). Last evaluated 2026-06-01.

Submissions (2):

CeGaT Center for Human Genetics Tuebingen
Classification: Likely benign. Last evaluated: 2026-06-01. Review status: criteria provided, single submitter. Criteria: CeGaT Center For Human Genetics Tuebingen Variant Classification Criteria Version 2. Collection method: clinical testing. Allele origin: germline. Affected: yes. Observed: 1 variant allele.
Comment: SKIC3: PM2:Supporting, BP4, BP7

Labcorp Genetics (formerly Invitae), Labcorp
Classification: Likely benign. Last evaluated: 2024-10-03. Review status: criteria provided, single submitter. Criteria: Invitae Variant Classification Sherloc (09022015). Collection method: clinical testing. Allele origin: germline.

NM_014639.4(SKIC3):c.4578A>T (p.Leu1526=)

Gene: SKIC3 (SKI3 subunit of superkiller complex; minus strand). Cytogenetic location: 5q15.
Variant type: single nucleotide variant.
Coding change: c.4578A>T on transcript NM_014639.4 (MANE Select); coding-DNA position 4578, A replaced by T.
Protein change: p.Leu1526=; no amino-acid change (leucine 1526 retained).
Molecular consequence: synonymous variant.
Genome position (GRCh38, 1-based): chr5:95,467,908, T>A on the plus strand (A>T on the coding strand, the complement: SKIC3 is on the minus strand). VCF-style: chr5-95467908-T-A. GRCh37 (hg19) VCF-style: chr5-94803612-T-A.
Identifiers: ClinVar variation 3668774 (VCV003668774.3).